The following is an entry in ClinVar:

ClinVar aggregate classification (germline): Pathogenic. Review status: criteria provided, multiple submitters, no conflicts (2 of 4 stars). 2 submissions from 2 submitters: Pathogenic (2). Last evaluated 2022-04-11.

Submissions (2):

Athena Diagnostics
Classification: Pathogenic. Last evaluated: 2022-04-11. Review status: criteria provided, single submitter. Criteria: Athena Diagnostics Criteria. Collection method: clinical testing. Allele origin: unknown.
Comment: This variant is expected to result in the loss of a functional protein. The frequency of this variant in the general population is consistent with pathogenicity. In multiple individuals, this variant has been seen with a single recessive pathogenic variant in the same gene, suggesting this variant may also be pathogenic. The variant is located in a region that is considered important for protein function and/or structure.

Molecular Diagnostics Lab, Nemours Children's Health, Delaware
Classification: Pathogenic. Last evaluated: 2016-03-02. Review status: criteria provided, single submitter. Criteria: ACMG Guidelines, 2015. Collection method: clinical testing. Allele origin: maternal, unknown. Affected: yes and no. Observed: 2 variant alleles.

Literature cited by the submitters: PubMed 9719377 (cited by Athena Diagnostics and Molecular Diagnostics Lab, Nemours Children's Health, Delaware); PubMed 19050931 (cited by Athena Diagnostics).

NM_000344.4(SMN1):c.510_511del (p.Ser170fs)

Gene: SMN1 (survival of motor neuron 1, telomeric). Cytogenetic location: 5q13.2.
Variant type: Deletion.
Coding change: c.510_511del on transcript NM_000344.4 (MANE Select); coding-DNA positions 510 to 511, 2 bases deleted.
Protein change: p.Ser170fs; shifts the reading frame from serine 170.
Molecular consequence: frameshift variant.
Genome position: GRCh38 VCF-style: chr5-70942751-AGT-A. GRCh37 (hg19) VCF-style: chr5-70238578-AGT-A.
Other names: c.510_511del, p.Ser170fs (NM_001297715.1, NM_022874.2); c.510_511delTG (NM_000344.3); short protein forms S170fs.
Identifiers: ClinVar variation 634941 (VCV000634941.4), dbSNP rs1561499720, ClinGen allele CA913189521.